The following is an entry in ClinVar:

NM_020928.2(ZSWIM6):c.57CGG[4] (p.Gly25_Gly26del)

Gene: ZSWIM6 (zinc finger SWIM-type containing 6; plus strand). Cytogenetic location: 5q12.1.
Variant type: Microsatellite.
Coding change: c.57CGG[4] on transcript NM_020928.2 (MANE Select); four copies in a row of the 3-base unit CGG starting at c.57; the reference has six copies in a row; two copies, 6 bases deleted.
Protein change: p.Gly25_Gly26del.
Molecular consequence: inframe deletion.
Genome position (GRCh38, 1-based): chr5:61,332,341-61,332,346, CGGCGG deleted; deleting any 6 consecutive bases within chr5:61,332,327-61,332,346 gives the same sequence; the position shown is the placement nearest the transcript's 3' end. VCF-style (leftmost placement, unchanged base first): chr5-61332326-GGGCGGC-G. GRCh37 (hg19) VCF-style: chr5-60628153-GGGCGGC-G.
Other names: c.55_60delGGCGGC (NM_020928.1); c.69_74del6 (NM_020928.1).
Identifiers: ClinVar variation 218778 (VCV000218778.15), dbSNP rs565100893, ClinGen allele CA249397.

ClinVar aggregate classification (germline): Benign/Likely benign. Review status: criteria provided, multiple submitters, no conflicts (2 of 4 stars). 5 submissions from 5 submitters: Benign (3); Likely benign (1). 1 of the submissions does not count toward it. Last evaluated 2026-02-02.

Conditions:
ZSWIM6-related disorder. Also called: ZSWIM6-related condition.

Submissions (5):

Labcorp Genetics (formerly Invitae), Labcorp
Classification: Benign. Last evaluated: 2026-02-02. Review status: criteria provided, single submitter. Criteria: Invitae Variant Classification Sherloc (09022015). Collection method: clinical testing. Allele origin: germline.

Blueprint Genetics
Classification: Benign. Last evaluated: 2024-11-26. Review status: criteria provided, single submitter. Criteria: ACMG Guidelines, 2015. Collection method: clinical testing. Allele origin: germline.

GeneDx
Classification: Likely benign. Last evaluated: 2019-10-05. Review status: criteria provided, single submitter. Criteria: GeneDx Variant Classification Process June 2021. Collection method: clinical testing. Allele origin: germline. Affected: yes.

Genomic Diagnostic Laboratory, Division of Genomic Diagnostics, Children's Hospital of Philadelphia
Classification: Benign. Last evaluated: 2015-05-14. Review status: criteria provided, single submitter. Criteria: DGD Variant Analysis Guidelines. Collection method: clinical testing. Allele origin: unknown.

PreventionGenetics, part of Exact Sciences
Classification: Benign for ZSWIM6-related condition. Last evaluated: 2019-10-31. Review status: no assertion criteria provided. Collection method: clinical testing. Allele origin: germline. Not counted in ClinVar's aggregate classification.
Comment: This variant is classified as benign based on ACMG/AMP sequence variant interpretation guidelines (Richards et al. 2015 PMID: 25741868, with internal and published modifications).